The following is an entry in ClinVar:

NM_000080.4(CHRNE):c.710G>T (p.Arg237Leu)

Genes: C17orf107 (chromosome 17 open reading frame 107; plus strand), CHRNE (cholinergic receptor nicotinic epsilon subunit; minus strand). Cytogenetic location: 17p13.2.
Variant type: single nucleotide variant.
Coding change: c.710G>T on transcript NM_000080.4 (MANE Select); coding-DNA position 710, G replaced by T.
Protein change: p.Arg237Leu; replaces arginine 237 with leucine.
Molecular consequence: missense variant. On other transcripts: 3 prime UTR variant (1).
Genome position (GRCh38, 1-based): chr17:4,901,082, C>A on the plus strand (G>T on the coding strand, the complement: CHRNE is on the minus strand). VCF-style: chr17-4901082-C-A. GRCh37 (hg19) VCF-style: chr17-4804377-C-A.
Other names: R217L; c.*549C>A (NM_001145536.2); short protein forms R237L.
Identifiers: ClinVar variation 40228 (VCV000040228.61), dbSNP rs201434993, ClinGen allele CA130793.
Genomic context (GRCh38, chr17:4,901,082, plus strand): 5'-AGGCCCGAGATGAGCACACAGGGCACGATGATGTTAATGACGTAGAAGAGCGGCTTCCGG[C>A]GGATGATGAGCGAGTAGATGACGTCAGTCTCCCCTGGGCCGTCGGTGGCGCCACCGTGGT-3'
Protein context (NP_000071.1, residues 227-247): ETDVIYSLII[Arg237Leu]RKPLFYVINI

ClinVar aggregate classification (germline): Conflicting classifications of pathogenicity. Review status: criteria provided, conflicting classifications (1 of 4 stars). 10 submissions from 10 submitters: Uncertain significance (7); Likely benign (1). 2 of the submissions do not count toward it. Last evaluated 2026-02-17.

Conditions:
Congenital myasthenic syndrome 4B. Also called: Myasthenic syndrome, congenital, 4b, fast-channel. Identifiers: Orphanet 590, MedGen C4225369, MONDO:0014586, OMIM 616324.
Congenital myasthenic syndrome 4A. Also called: CONGENITAL MYASTHENIC SYNDROME TYPE Ia1; MYASTHENIC SYNDROME, CONGENITAL, 4A, SLOW-CHANNEL, AUTOSOMAL RECESSIVE; Myasthenic syndrome, congenital, 4a, slow-channel. Identifiers: Orphanet 590, MedGen C4225413, MONDO:0011600, OMIM 605809.
Congenital myasthenic syndrome 4C (CMS4C). Also called: Myasthenic syndrome, congenital, associated with acetylcholine receptor deficiency. Identifiers: Orphanet 590, MedGen C1837091, MONDO:0012157, OMIM 608931.
Congenital myasthenic syndrome (CMS). Also called: Congenital Myasthenic Syndromes. Identifiers: Orphanet 590, MedGen C0751882, MeSH D020294, MONDO:0018940.

Allele frequency attached by ClinVar (database versions not stated): gnomAD 0.00010; TOPMed 0.00010.
gnomAD v4.1: 160 of 1,613,702 alleles (0.0099%); highest among the groups gnomAD compares: Middle Eastern, 0.016%; no homozygotes.

Submissions (10):

Women's Health and Genetics/Laboratory Corporation of America, LabCorp
Classification: Uncertain significance. Last evaluated: 2026-02-17. Review status: criteria provided, single submitter. Criteria: LabCorp Variant Classification Summary - May 2015. Collection method: clinical testing. Allele origin: germline.
Comment: Variant summary: CHRNE c.710G>T (p.Arg237Leu), also reported as c.650G>T p.Arg217Leu, results in a non-conservative amino acid change in the encoded protein sequence. Algorithms developed to predict the effect of missense changes on protein structure and function all suggest that this variant is likely to be disruptive. The variant allele was found at a frequency of 0.00021 in 249946 control chromosomes. This frequency is not significantly higher than estimated for disease-causing variants in CHRNE, allowing no conclusion about variant significance. c.710G>T has been observed in trans with a pathogenic variant in at least 2 individual(s) affected with clinical features of autosomal recessive Congenital Myasthenic Syndrome (example, Croxen_2009, Croxen_2002, Finlayson_2013). These data indicate that the variant may be associated with disease. One publication reports experimental evidence evaluating an impact on protein function, however, does not allow convincing conclusions about the variant effect (Finlayson_2013). The following publications have been ascertained in the context of this evaluation (PMID: 21316238, 29795570, 19153382, 23281026, 12141316). ClinVar contains an entry for this variant (Variation ID: 40228). Based on the evidence outlined above, the variant was classified as VUS-possibly pathogenic.

Labcorp Genetics (formerly Invitae), Labcorp
Classification: Likely benign for Congenital myasthenic syndrome 4A. Last evaluated: 2026-01-11. Review status: criteria provided, single submitter. Criteria: Invitae Variant Classification Sherloc (09022015). Collection method: clinical testing. Allele origin: germline.

Department of Pathology and Laboratory Medicine, Sinai Health System
Classification: Uncertain significance for congenital myasthenic syndrome. Last evaluated: 2023-05-17. Review status: criteria provided, single submitter. Criteria: ACMG Guidelines, 2015. Collection method: research. Allele origin: germline.

Revvity Omics, Revvity
Classification: Uncertain significance. Last evaluated: 2022-02-07. Review status: criteria provided, single submitter. Criteria: ACMG Guidelines, 2015. Collection method: clinical testing. Allele origin: germline.

Blueprint Genetics
Classification: Uncertain significance. Last evaluated: 2021-10-22. Review status: criteria provided, single submitter. Criteria: ACMG Guidelines, 2015. Collection method: clinical testing. Allele origin: germline.

New York Genome Center
Classification: Uncertain significance for Congenital myasthenic syndrome 4A; Congenital myasthenic syndrome 4B; Congenital myasthenic syndrome 4C. Last evaluated: 2020-06-05. Review status: criteria provided, single submitter. Criteria: NYGC Assertion Criteria 2020. Collection method: clinical testing. Allele origin: germline. Observed: 1 heterozygote. Study: CSER-NYCKidSeq.

CeGaT Center for Human Genetics Tuebingen
Classification: Uncertain significance. Last evaluated: 2018-03-01. Review status: criteria provided, single submitter. Criteria: CeGaT Center For Human Genetics Tuebingen Variant Classification Criteria Version 2. Collection method: clinical testing. Allele origin: germline. Affected: yes. Observed: 1 variant allele.

Illumina Laboratory Services, Illumina
Classification: Uncertain significance for Congenital myasthenic syndrome. Last evaluated: 2017-04-27. Review status: criteria provided, single submitter. Criteria: ICSL Variant Classification Criteria 13 December 2019. Collection method: clinical testing. Allele origin: germline.
Comment: This variant was observed as part of a predisposition screen in an ostensibly healthy population. A literature search was performed for the gene, cDNA change, and amino acid change (where applicable). Publications were found based on this search. However, the evidence from the literature, in combination with allele frequency data from public databases where available, was not sufficient to rule this variant in or out of causing disease. Therefore, this variant is classified as a variant of unknown significance.

Natera, Inc.
Classification: Likely benign for Congenital myasthenic syndrome. Last evaluated: 2020-05-05. Review status: no assertion criteria provided. Collection method: clinical testing. Allele origin: germline. Not counted in ClinVar's aggregate classification.

OMIM
Classification: Pathogenic for MYASTHENIC SYNDROME, CONGENITAL, 4A, SLOW-CHANNEL, AUTOSOMAL RECESSIVE. Last evaluated: 2018-11-07. Review status: no assertion criteria provided. Collection method: literature only. Allele origin: germline. Not counted in ClinVar's aggregate classification.

Literature cited by the submitters: PubMed 29795570 (cited by Women's Health and Genetics/Laboratory Corporation of America, LabCorp); PubMed 12141316 (cited by 3 submitters); PubMed 19153382 (cited by Women's Health and Genetics/Laboratory Corporation of America, LabCorp and Illumina Laboratory Services, Illumina); PubMed 21316238 (cited by Women's Health and Genetics/Laboratory Corporation of America, LabCorp); PubMed 23281026 (cited by Women's Health and Genetics/Laboratory Corporation of America, LabCorp).